The following is an entry in ClinVar:

NM_014003.4(DHX38):c.402G>C (p.Gln134His)

Gene: DHX38 (DEAH-box helicase 38; plus strand). Cytogenetic location: 16q22.2.
Variant type: single nucleotide variant.
Coding change: c.402G>C on transcript NM_014003.4 (MANE Select); coding-DNA position 402, G replaced by C.
Protein change: p.Gln134His; replaces glutamine 134 with histidine.
Molecular consequence: missense variant.
Genome position (GRCh38, 1-based): chr16:72,096,900, G>C. VCF-style: chr16-72096900-G-C. GRCh37 (hg19) VCF-style: chr16-72130799-G-C.
Other names: short protein forms Q134H.
Identifiers: ClinVar variation 1022697 (VCV001022697.6), dbSNP rs2042028158, ClinGen allele CA396700857.
Genomic context (GRCh38, chr16:72,096,900, plus strand): 5'-GGTAGAGACTCCATCCCATCCGGGTGGTGTGAGCGAAGAGTTTTGGGAACGCAGTCGGCA[G>C]AGAGAGCGGGAGCGGCGGGAACATGGTGTCTATGCCTCGTCCAAAGAAGAAAAGGATTGG-3'
Protein context (NP_054722.2, residues 124-144): VSEEFWERSR[Gln134His]RERERREHGV

ClinVar aggregate classification (germline): Uncertain significance (1 of 4 stars; one submission).

Allele frequency attached by ClinVar (database versions not stated): TOPMed 0.00001.

Submission:

Labcorp Genetics (formerly Invitae), Labcorp
Classification: Uncertain significance. Last evaluated: 2023-05-08. Review status: criteria provided, single submitter. Criteria: Invitae Variant Classification Sherloc (09022015). Collection method: clinical testing. Allele origin: germline.
Comment: In summary, the available evidence is currently insufficient to determine the role of this variant in disease. Therefore, it has been classified as a Variant of Uncertain Significance. An algorithm developed to predict the effect of missense changes on protein structure and function (PolyPhen-2) suggests that this variant is likely to be disruptive. ClinVar contains an entry for this variant (Variation ID: 1022697). This variant has not been reported in the literature in individuals affected with DHX38-related conditions. This variant is not present in population databases (gnomAD no frequency). This sequence change replaces glutamine, which is neutral and polar, with histidine, which is basic and polar, at codon 134 of the DHX38 protein (p.Gln134His).